The following is an entry in ClinVar:

ClinVar aggregate classification (germline): Uncertain significance. Review status: criteria provided, multiple submitters, no conflicts (2 of 4 stars). 3 submissions from 3 submitters: Uncertain significance (3). Last evaluated 2025-12-23.

Conditions:
DIAPH3-related disorder. Also called: DIAPH3-related condition.

Allele frequency attached by ClinVar (database versions not stated): gnomAD exomes 0.00006; ESP Exome Variant Server 0.00008; ExAC 0.00009; TOPMed 0.00011; gnomAD 0.00014; 1000 Genomes Project 30x 0.00031; 1000 Genomes Project 0.00040.
gnomAD v4.1: 110 of 1,606,270 alleles (0.0068%); highest among the groups gnomAD compares: Middle Eastern, 0.05%; no homozygotes.

Submissions (3):

Labcorp Genetics (formerly Invitae), Labcorp
Classification: Uncertain significance. Last evaluated: 2025-12-23. Review status: criteria provided, single submitter. Criteria: Invitae Variant Classification Sherloc (09022015). Collection method: clinical testing. Allele origin: germline.
Comment: This sequence change replaces threonine, which is neutral and polar, with methionine, which is neutral and non-polar, at codon 68 of the DIAPH3 protein (p.Thr68Met). This variant is present in population databases (rs369972341, gnomAD 0.05%). This variant has not been reported in the literature in individuals affected with DIAPH3-related conditions. ClinVar contains an entry for this variant (Variation ID: 2080880). An algorithm developed to predict the effect of missense changes on protein structure and function (PolyPhen-2) suggests that this variant is likely to be disruptive. In summary, the available evidence is currently insufficient to determine the role of this variant in disease. Therefore, it has been classified as a Variant of Uncertain Significance.

PreventionGenetics, part of Exact Sciences
Classification: Uncertain significance for DIAPH3-related condition. Last evaluated: 2025-04-10. Review status: criteria provided, single submitter. Criteria: ACMG Guidelines, 2015. Collection method: clinical testing. Allele origin: germline.
Comment: The DIAPH3 c.203C>T variant is predicted to result in the amino acid substitution p.Thr68Met. To our knowledge, this variant has not been reported in the literature. This variant is reported in 0.050% of alleles in individuals of African descent in gnomAD. Although we suspect that this variant may be benign, at this time, the clinical significance of this variant is uncertain due to the absence of conclusive functional and genetic evidence.

Ambry Genetics
Classification: Uncertain significance. Last evaluated: 2024-12-31. Review status: criteria provided, single submitter. Criteria: Ambry Variant Classification Scheme 2023. Collection method: clinical testing. Allele origin: germline.

NM_001042517.2(DIAPH3):c.203C>T (p.Thr68Met)

Gene: DIAPH3 (diaphanous related formin 3; minus strand). Cytogenetic location: 13q21.2.
Variant type: single nucleotide variant.
Coding change: c.203C>T on transcript NM_001042517.2 (MANE Select); coding-DNA position 203, C replaced by T.
Protein change: p.Thr68Met; replaces threonine 68 with methionine.
Molecular consequence: missense variant. On other transcripts: intron variant (3).
Genome position (GRCh38, 1-based): chr13:60,132,967, G>A on the plus strand (C>T on the coding strand, the complement: DIAPH3 is on the minus strand). VCF-style: chr13-60132967-G-A. GRCh37 (hg19) VCF-style: chr13-60707101-G-A.
Other names: c.203C>T, p.Thr68Met (NM_001258369.2); c.180+30620C>T (NM_001258368.2); c.181-20781C>T (NM_001258367.2, NM_001258366.2); c.203C>T (NM_001042517.1); short protein forms T68M.
Identifiers: ClinVar variation 2080880 (VCV002080880.6), dbSNP rs369972341, ClinGen allele CA6997077.